The following is an entry in ClinVar:

NM_198053.3(CD247):c.308G>A (p.Arg103Lys)

Gene: CD247 (CD247 molecule; minus strand). Cytogenetic location: 1q24.2.
Variant type: single nucleotide variant.
Coding change: c.308G>A on transcript NM_198053.3 (MANE Select); coding-DNA position 308, G replaced by A.
Protein change: p.Arg103Lys; replaces arginine 103 with lysine.
Molecular consequence: missense variant.
Genome position (GRCh38, 1-based): chr1:167,435,427, C>T on the plus strand (G>A on the coding strand, the complement: CD247 is on the minus strand). VCF-style: chr1-167435427-C-T. GRCh37 (hg19) VCF-style: chr1-167404664-C-T.
Other names: c.305G>A, p.Arg102Lys (NM_000734.4); c.401G>A, p.Arg134Lys (NM_001378515.1); c.398G>A, p.Arg133Lys (NM_001378516.1); short protein forms R133K, R102K, R103K, R134K.
Identifiers: ClinVar variation 1927347 (VCV001927347.3), dbSNP rs370910340, ClinGen allele CA1225995.
Genomic context (GRCh38, chr1:167,435,427, plus strand): 5'-CCAAGGTCAAATGTGAGGTCTCCTCTACTCACATTGTACAGGCCTTCCTGAGGGTTCTTC[C>T]TTCTCTGCTAGGAAAGACAACGGGAAGACGTTAGAGGGAGAGAAACACAAACCCAAGCCA-3'
Protein context (NP_932170.1, residues 93-113): DPEMGGKPQR[Arg103Lys]KNPQEGLYNE

ClinVar aggregate classification (germline): Uncertain significance. Review status: criteria provided, multiple submitters, no conflicts (2 of 4 stars). 2 submissions from 2 submitters: Uncertain significance (2). Last evaluated 2024-01-31.

Conditions:
Immunodeficiency 25. Also called: Immunodeficiency due to defect in cd3-zeta, somatic. Identifiers: MedGen C1857798, MONDO:0012426, OMIM 610163.

Allele frequency attached by ClinVar (database versions not stated): ExAC 0.00002; TOPMed 0.00002; gnomAD 0.00003; gnomAD exomes 0.00004; ESP Exome Variant Server 0.00008.

Submissions (2):

Ambry Genetics
Classification: Uncertain significance. Last evaluated: 2024-01-31. Review status: criteria provided, single submitter. Criteria: Ambry Variant Classification Scheme 2023. Collection method: clinical testing. Allele origin: germline.

Labcorp Genetics (formerly Invitae), Labcorp
Classification: Uncertain significance for Immunodeficiency 25. Last evaluated: 2022-06-24. Review status: criteria provided, single submitter. Criteria: Invitae Variant Classification Sherloc (09022015). Collection method: clinical testing. Allele origin: germline.
Comment: This sequence change replaces arginine, which is basic and polar, with lysine, which is basic and polar, at codon 103 of the CD247 protein (p.Arg103Lys). This variant is present in population databases (rs370910340, gnomAD 0.006%). This variant has not been reported in the literature in individuals affected with CD247-related conditions. Algorithms developed to predict the effect of missense changes on protein structure and function output the following: SIFT: "Tolerated"; PolyPhen-2: "Benign"; Align-GVGD: "Class C0". The lysine amino acid residue is found in multiple mammalian species, which suggests that this missense change does not adversely affect protein function. In summary, the available evidence is currently insufficient to determine the role of this variant in disease. Therefore, it has been classified as a Variant of Uncertain Significance.